The following is an entry in ClinVar:

NM_014402.5(UQCRQ):c.144del (p.Val49fs)

Genes: UQCRQ (ubiquinol-cytochrome c reductase complex III subunit VII; plus strand), LOC126807509 (BRD4-independent group 4 enhancer GRCh37_chr5:132201613-132202812; plus strand). Cytogenetic location: 5q31.1.
Variant type: Deletion.
Coding change: c.144del on transcript NM_014402.5 (MANE Select); coding-DNA position 144, one base deleted (C; older notation c.144delC).
Protein change: p.Val49fs; shifts the reading frame from valine 49.
Molecular consequence: frameshift variant.
Genome position (GRCh38, 1-based): chr5:132,867,025, C deleted. VCF-style (leftmost placement, unchanged base first): chr5-132867024-GC-G. GRCh37 (hg19) VCF-style: chr5-132202716-GC-G.
Other names: short protein forms V49fs.
Identifiers: ClinVar variation 2971717 (VCV002971717.3), dbSNP rs1759647090, ClinGen allele CA1583355919.

ClinVar aggregate classification (germline): Uncertain significance (1 of 4 stars; one submission).

Allele frequency attached by ClinVar (database versions not stated): gnomAD exomes below 0.00001.

Submission:

Labcorp Genetics (formerly Invitae), Labcorp
Classification: Uncertain significance. Last evaluated: 2023-10-07. Review status: criteria provided, single submitter. Criteria: Invitae Variant Classification Sherloc (09022015). Collection method: clinical testing. Allele origin: germline.
Comment: This sequence change creates a premature translational stop signal (p.Val49Trpfs*6) in the UQCRQ gene. While this is not anticipated to result in nonsense mediated decay, it is expected to disrupt the last 34 amino acid(s) of the UQCRQ protein. This variant is not present in population databases (gnomAD no frequency). This variant has not been reported in the literature in individuals affected with UQCRQ-related conditions. Experimental studies and prediction algorithms are not available or were not evaluated, and the functional significance of this variant is currently unknown. In summary, the available evidence is currently insufficient to determine the role of this variant in disease. Therefore, it has been classified as a Variant of Uncertain Significance.